The following is an entry in ClinVar:

ClinVar aggregate classification (germline): Uncertain significance. Review status: criteria provided, multiple submitters, no conflicts (2 of 4 stars). 7 submissions from 6 submitters: Uncertain significance (6). 1 of the submissions does not count toward it. Last evaluated 2024-10-14.

Conditions:
McKusick-Kaufman syndrome (MKKS). Also called: HYDROMETROCOLPOS SYNDROME; HYDROMETROCOLPOS, POSTAXIAL POLYDACTYLY, AND CONGENITAL HEART MALFORMATION. Identifiers: Orphanet 2473, MedGen C0948368, MONDO:0009367, OMIM 236700.
Bardet-Biedl syndrome (BBS). Identifiers: Orphanet 110, MedGen C0752166, MONDO:0015229.
Bardet-Biedl syndrome 6 (BBS6). Identifiers: Orphanet 110, MedGen C1858054, MONDO:0011523, OMIM 605231.
MKKS-related disorder. Also called: MKKS-related condition; MKKS-related disorders.
Inborn genetic diseases. Identifiers: MedGen C0950123, MeSH D030342.

Allele frequency attached by ClinVar (database versions not stated): gnomAD 0.00002; ExAC 0.00003; TOPMed 0.00003; gnomAD exomes 0.00004.
gnomAD v4.1: 114 of 1,613,068 alleles (0.0071%); highest among the groups gnomAD compares: Non-Finnish European, 0.009%; no homozygotes.

Submissions (7):

Blueprint Genetics
Classification: Uncertain significance. Last evaluated: 2024-10-14. Review status: criteria provided, single submitter. Criteria: ACMG Guidelines, 2015. Collection method: clinical testing. Allele origin: germline.

Ambry Genetics
Classification: Uncertain significance for Inborn genetic diseases. Last evaluated: 2024-02-28. Review status: criteria provided, single submitter. Criteria: Ambry Variant Classification Scheme 2023. Collection method: clinical testing. Allele origin: germline.

Labcorp Genetics (formerly Invitae), Labcorp
Classification: Uncertain significance for McKusick-Kaufman syndrome; Bardet-Biedl syndrome. Last evaluated: 2022-06-27. Review status: criteria provided, single submitter. Criteria: Invitae Variant Classification Sherloc (09022015). Collection method: clinical testing. Allele origin: germline.
Comment: This sequence change replaces aspartic acid, which is acidic and polar, with asparagine, which is neutral and polar, at codon 428 of the MKKS protein (p.Asp428Asn). This variant is present in population databases (rs779416496, gnomAD 0.007%). This variant has not been reported in the literature in individuals affected with MKKS-related conditions. ClinVar contains an entry for this variant (Variation ID: 337689). Algorithms developed to predict the effect of missense changes on protein structure and function output the following: SIFT: "Tolerated"; PolyPhen-2: "Benign"; Align-GVGD: "Class C0". The asparagine amino acid residue is found in multiple mammalian species, which suggests that this missense change does not adversely affect protein function. In summary, the available evidence is currently insufficient to determine the role of this variant in disease. Therefore, it has been classified as a Variant of Uncertain Significance.

Fulgent Genetics
Classification: Uncertain significance for McKusick-Kaufman syndrome; Bardet-Biedl syndrome 6. Last evaluated: 2022-01-09. Review status: criteria provided, single submitter. Criteria: ACMG Guidelines, 2015. Collection method: clinical testing. Allele origin: unknown.

Illumina Laboratory Services, Illumina
Classification: Uncertain significance for McKusick-Kaufman syndrome. Last evaluated: 2018-01-13. Review status: criteria provided, single submitter. Criteria: ICSL Variant Classification Criteria 13 December 2019. Collection method: clinical testing. Allele origin: germline.

Illumina Laboratory Services, Illumina
Classification: Uncertain significance for Bardet-Biedl syndrome 6. Last evaluated: 2018-01-13. Review status: criteria provided, single submitter. Criteria: ICSL Variant Classification Criteria 13 December 2019. Collection method: clinical testing. Allele origin: germline.

PreventionGenetics, part of Exact Sciences
Classification: Uncertain significance for MKKS-related condition. Last evaluated: 2024-05-28. Review status: no assertion criteria provided. Collection method: clinical testing. Allele origin: germline. Not counted in ClinVar's aggregate classification.
Comment: The MKKS c.1282G>A variant is predicted to result in the amino acid substitution p.Asp428Asn. To our knowledge, this variant has not been reported in the literature. This variant is reported in 0.0071% of alleles in individuals of European (Non-Finnish) descent in gnomAD. At this time, the clinical significance of this variant is uncertain due to the absence of conclusive functional and genetic evidence.

NM_170784.3(MKKS):c.1282G>A (p.Asp428Asn)

Gene: MKKS (MKKS centrosomal shuttling protein; minus strand). Cytogenetic location: 20p12.2.
Variant type: single nucleotide variant.
Coding change: c.1282G>A on transcript NM_170784.3 (MANE Select); coding-DNA position 1282, G replaced by A.
Protein change: p.Asp428Asn; replaces aspartic acid 428 with asparagine.
Molecular consequence: missense variant. On other transcripts: non-coding transcript variant (1).
Genome position (GRCh38, 1-based): chr20:10,405,678, C>T on the plus strand (G>A on the coding strand, the complement: MKKS is on the minus strand). VCF-style: chr20-10405678-C-T. GRCh37 (hg19) VCF-style: chr20-10386326-C-T.
Other names: c.1282G>A (NM_018848.2); c.1282G>A, p.Asp428Asn (NM_018848.3); short protein forms D428N.
Identifiers: ClinVar variation 337689 (VCV000337689.14), dbSNP rs779416496, ClinGen allele CA9763502.